The following is an entry in ClinVar:

NM_000246.4(CIITA):c.601C>T (p.Arg201Cys)

Gene: CIITA (class II major histocompatibility complex transactivator; plus strand). Cytogenetic location: 16p13.13.
Variant type: single nucleotide variant.
Coding change: c.601C>T on transcript NM_000246.4 (MANE Select); coding-DNA position 601, C replaced by T.
Protein change: p.Arg201Cys; replaces arginine 201 with cysteine.
Molecular consequence: missense variant. On other transcripts: non-coding transcript variant (1), intron variant (3).
Genome position (GRCh38, 1-based): chr16:10,902,157, C>T. VCF-style: chr16-10902157-C-T. GRCh37 (hg19) VCF-style: chr16-10996014-C-T.
Other names: c.604C>T, p.Arg202Cys (NM_001286402.1, NM_001379332.1); c.601C>T, p.Arg201Cys (NM_001379333.1); c.532C>T, p.Arg178Cys (NM_001379334.1); c.485-501C>T (NM_001379330.1); c.482-501C>T (NM_001379331.1, NM_001286403.2); short protein forms R201C, R202C, R178C.
Identifiers: ClinVar variation 1364152 (VCV001364152.7), dbSNP rs543712859, ClinGen allele CA7899819.

ClinVar aggregate classification (germline): Uncertain significance (1 of 4 stars; one submission).

Conditions:
MHC class II deficiency. Also called: Bare lymphocyte syndrome 2; BLS, TYPE II. Identifiers: Orphanet 572, MedGen C5447452, MONDO:0008855.

Allele frequency attached by ClinVar (database versions not stated): gnomAD 0.00001; gnomAD exomes 0.00001 and 0.00002; ExAC 0.00002; 1000 Genomes Project 30x 0.00016; 1000 Genomes Project 0.00020.
gnomAD v4.1: 13 of 1,614,170 alleles (0.00081%); highest among the groups gnomAD compares: East Asian, 0.0045%; no homozygotes.

Submission:

Labcorp Genetics (formerly Invitae), Labcorp
Classification: Uncertain significance for MHC class II deficiency. Last evaluated: 2024-10-24. Review status: criteria provided, single submitter. Criteria: Invitae Variant Classification Sherloc (09022015). Collection method: clinical testing. Allele origin: germline.
Comment: This sequence change replaces arginine, which is basic and polar, with cysteine, which is neutral and slightly polar, at codon 201 of the CIITA protein (p.Arg201Cys). This variant is present in population databases (rs543712859, gnomAD 0.006%). This variant has not been reported in the literature in individuals affected with CIITA-related conditions. ClinVar contains an entry for this variant (Variation ID: 1364152). An algorithm developed to predict the effect of missense changes on protein structure and function outputs the following: PolyPhen-2: "Benign". The cysteine amino acid residue is found in multiple mammalian species, which suggests that this missense change does not adversely affect protein function. In summary, the available evidence is currently insufficient to determine the role of this variant in disease. Therefore, it has been classified as a Variant of Uncertain Significance.